The following is an entry in ClinVar:

ClinVar aggregate classification (germline): Pathogenic. Review status: criteria provided, single submitter (1 of 4 stars). 4 submissions from 4 submitters: Pathogenic (1). 3 of the submissions do not count toward it. Last evaluated 2022-04-25.

Conditions:
Autosomal dominant nonsyndromic hearing loss 11. Identifiers: Orphanet 90635, MedGen C1832475, MONDO:0011032, OMIM 601317.

Submissions (4):

Labcorp Genetics (formerly Invitae), Labcorp
Classification: Pathogenic. Last evaluated: 2022-04-25. Review status: criteria provided, single submitter. Criteria: Invitae Variant Classification Sherloc (09022015). Collection method: clinical testing. Allele origin: germline.
Comment: This sequence change replaces asparagine, which is neutral and polar, with isoleucine, which is neutral and non-polar, at codon 458 of the MYO7A protein (p.Asn458Ile). This variant is not present in population databases (gnomAD no frequency). This missense change has been observed in individual(s) with autosomal dominant deafness (PMID: 15221449). It has also been observed to segregate with disease in related individuals. ClinVar contains an entry for this variant (Variation ID: 11863). Advanced modeling of protein sequence and biophysical properties (such as structural, functional, and spatial information, amino acid conservation, physicochemical variation, residue mobility, and thermodynamic stability) performed at Invitae indicates that this missense variant is expected to disrupt MYO7A protein function. For these reasons, this variant has been classified as Pathogenic.

OMIM
Classification: Pathogenic for DEAFNESS, AUTOSOMAL DOMINANT 11. Last evaluated: 2004-07-01. Review status: no assertion criteria provided. Collection method: literature only. Allele origin: germline. Not counted in ClinVar's aggregate classification.

Clinical Genetics DNA and cytogenetics Diagnostics Lab, Erasmus MC, Erasmus Medical Center
Classification: Likely pathogenic. Review status: no assertion criteria provided. Collection method: clinical testing. Allele origin: germline. Affected: yes. Study: VKGL Data-share Consensus. Not counted in ClinVar's aggregate classification.

Joint Genome Diagnostic Labs from Nijmegen and Maastricht, Radboudumc and MUMC+
Classification: Likely pathogenic. Review status: no assertion criteria provided. Collection method: clinical testing. Allele origin: germline. Affected: yes. Study: VKGL Data-share Consensus. Not counted in ClinVar's aggregate classification.

Literature cited by the submitters: PubMed 15221449 (cited by Labcorp Genetics (formerly Invitae), Labcorp and OMIM).

NM_000260.4(MYO7A):c.1373A>T (p.Asn458Ile)

Gene: MYO7A (myosin VIIA; plus strand). Cytogenetic location: 11q13.5.
Variant type: single nucleotide variant.
Coding change: c.1373A>T on transcript NM_000260.4 (MANE Select); coding-DNA position 1373, A replaced by T.
Protein change: p.Asn458Ile; replaces asparagine 458 with isoleucine.
Molecular consequence: missense variant.
Genome position (GRCh38, 1-based): chr11:77,162,149, A>T. VCF-style: chr11-77162149-A-T. GRCh37 (hg19) VCF-style: chr11-76873195-A-T.
Other names: c.1373A>T, p.Asn458Ile (NM_001127180.2); c.1340A>T, p.Asn447Ile (NM_001369365.1); short protein forms N458I, N447I.
Identifiers: ClinVar variation 11863 (VCV000011863.8), dbSNP rs121965084, ClinGen allele CA256098.